The following is an entry in ClinVar:

ClinVar aggregate classification (germline): Benign/Likely benign. Review status: criteria provided, multiple submitters, no conflicts (2 of 4 stars). 15 submissions from 11 submitters: Benign (12); Likely benign (1). 2 of the submissions do not count toward it. Last evaluated 2026-02-03.

Conditions:
Hereditary spherocytosis type 3. Also called: Spherocytosis type 3; SPTA1-Related Spherocytosis. Identifiers: Orphanet 822, MedGen C2678338, MONDO:0010053, OMIM 270970.
Elliptocytosis 2 (EL2). Also called: ELLIPTOCYTOSIS, RHESUS-UNLINKED TYPE. Identifiers: Orphanet 288, MedGen C1851741, MONDO:0007533, OMIM 130600.
Pyropoikilocytosis, hereditary. Also called: Pyropoikilocytosis. Identifiers: MedGen C0520739, MONDO:0009948, OMIM 266140, HP:0004839. Disease mechanism: loss of function.

Allele frequency attached by ClinVar (database versions not stated): TOPMed 0.95378; 1000 Genomes Project 30x 0.95534; gnomAD 0.95672; 1000 Genomes Project 0.95687; ESP Exome Variant Server 0.95811; ExAC 0.98494; gnomAD exomes 0.98686 and 0.99342.
gnomAD v4.1: 1,597,130 of 1,613,432 alleles (99%); highest among the groups gnomAD compares: East Asian, 100%; 791,166 homozygotes.

Submissions (15):

Labcorp Genetics (formerly Invitae), Labcorp
Classification: Benign. Last evaluated: 2026-02-03. Review status: criteria provided, single submitter. Criteria: Invitae Variant Classification Sherloc (09022015). Collection method: clinical testing. Allele origin: germline.

ARUP Laboratories, Molecular Genetics and Genomics, ARUP Laboratories
Classification: Benign. Last evaluated: 2025-07-31. Review status: criteria provided, single submitter. Criteria: ARUP Molecular Germline Variant Investigation Process 2024. Collection method: clinical testing. Allele origin: germline.

Blueprint Genetics
Classification: Likely benign. Last evaluated: 2024-11-26. Review status: criteria provided, single submitter. Criteria: ACMG Guidelines, 2015. Collection method: clinical testing. Allele origin: germline.

Genome-Nilou Lab
Classification: Benign for Pyropoikilocytosis, hereditary. Last evaluated: 2021-07-15. Review status: criteria provided, single submitter. Criteria: ACMG Guidelines, 2015. Collection method: clinical testing. Allele origin: germline. Affected: no.

Genome-Nilou Lab
Classification: Benign for Hereditary spherocytosis type 3. Last evaluated: 2021-07-15. Review status: criteria provided, single submitter. Criteria: ACMG Guidelines, 2015. Collection method: clinical testing. Allele origin: germline. Affected: no.

Genome-Nilou Lab
Classification: Benign for Elliptocytosis 2. Last evaluated: 2021-07-15. Review status: criteria provided, single submitter. Criteria: ACMG Guidelines, 2015. Collection method: clinical testing. Allele origin: germline. Affected: no.

GeneDx
Classification: Benign. Last evaluated: 2021-06-09. Review status: criteria provided, single submitter. Criteria: GeneDx Variant Classification Process June 2021. Collection method: clinical testing. Allele origin: germline. Affected: yes.

Illumina Laboratory Services, Illumina
Classification: Benign for Hereditary spherocytosis type 3. Last evaluated: 2018-01-13. Review status: criteria provided, single submitter. Criteria: ICSL Variant Classification Criteria 13 December 2019. Collection method: clinical testing. Allele origin: germline.
Comment: This variant was observed in the ICSL laboratory as part of a predisposition screen in an ostensibly healthy population. It had not been previously curated by ICSL or reported in the Human Gene Mutation Database (HGMD: prior to June 1st, 2018), and was therefore a candidate for classification through an automated scoring system. Utilizing variant allele frequency, disease prevalence and penetrance estimates, and inheritance mode, an automated score was calculated to assess if this variant is too frequent to cause the disease. Based on the score and internal cut-off values, a variant classified as benign is not then subjected to further curation. The score for this variant resulted in a classification of benign for this disease.

Illumina Laboratory Services, Illumina
Classification: Benign for Pyropoikilocytosis, hereditary. Last evaluated: 2018-01-13. Review status: criteria provided, single submitter. Criteria: ICSL Variant Classification Criteria 13 December 2019. Collection method: clinical testing. Allele origin: germline.
Comment: the same text as in the submission from Illumina Laboratory Services, Illumina above.

Illumina Laboratory Services, Illumina
Classification: Benign for Elliptocytosis 2. Last evaluated: 2018-01-13. Review status: criteria provided, single submitter. Criteria: ICSL Variant Classification Criteria 13 December 2019. Collection method: clinical testing. Allele origin: germline.
Comment: the same text as in the submission from Illumina Laboratory Services, Illumina above.

Mayo Clinic Laboratories, Mayo Clinic
Classification: Benign. Last evaluated: 2016-04-16. Review status: criteria provided, single submitter. Criteria: ACMG Guidelines, 2015. Collection method: clinical testing. Allele origin: germline. Observed: 2,387 variant alleles.

Breakthrough Genomics
Classification: Benign. Review status: criteria provided, single submitter. Criteria: ACMG Guidelines, 2015. Collection method: not provided. Allele origin: germline. Inheritance: Autosomal recessive inheritance. Affected: yes.

PreventionGenetics, part of Exact Sciences
Classification: Benign. Review status: criteria provided, single submitter. Criteria: ACMG Guidelines, 2015. Collection method: clinical testing. Allele origin: germline.

Diagnostic Laboratory, Department of Genetics, University Medical Center Groningen
Classification: Benign. Review status: no assertion criteria provided. Collection method: clinical testing. Allele origin: germline. Affected: yes. Study: VKGL Data-share Consensus. Not counted in ClinVar's aggregate classification.

Genome Diagnostics Laboratory, University Medical Center Utrecht
Classification: Benign. Review status: no assertion criteria provided. Collection method: clinical testing. Allele origin: germline. Affected: yes. Study: VKGL Data-share Consensus. Not counted in ClinVar's aggregate classification.

NM_003126.4(SPTA1):c.813-7A>T

Gene: SPTA1 (spectrin alpha, erythrocytic 1; minus strand). Cytogenetic location: 1q23.1.
Variant type: single nucleotide variant.
Coding change: c.813-7A>T on transcript NM_003126.4 (MANE Select); 7 bases into the intron before coding-DNA position 813, A replaced by T.
Molecular consequence: intron variant.
Genome position (GRCh38, 1-based): chr1:158,677,841, T>A on the plus strand (A>T on the coding strand, the complement: SPTA1 is on the minus strand). VCF-style: chr1-158677841-T-A. GRCh37 (hg19) VCF-style: chr1-158647631-T-A.
Other names: p.?.
Identifiers: ClinVar variation 258959 (VCV000258959.37), dbSNP rs325995, ClinGen allele CA1184003.